The following is an entry in ClinVar:

ClinVar aggregate classification (germline): Uncertain significance. Review status: criteria provided, multiple submitters, no conflicts (2 of 4 stars). 2 submissions from 2 submitters: Uncertain significance (2). Last evaluated 2024-07-16.

Conditions:
Inborn genetic diseases. Identifiers: MedGen C0950123, MeSH D030342.
Fanconi anemia (FA). Also called: Fanconi's anemia. Identifiers: Orphanet 84, MedGen C0015625, MeSH D005199, MONDO:0019391.

Allele frequency attached by ClinVar (database versions not stated): ExAC 0.00002; gnomAD exomes 0.00002 and 0.00001.
gnomAD v4.1: 22 of 1,614,120 alleles (0.0014%); highest among the groups gnomAD compares: Non-Finnish European, 0.0019%; no homozygotes.

Submissions (3):

Ambry Genetics
Classification: Uncertain significance for Inborn genetic diseases. Last evaluated: 2024-07-16. Review status: criteria provided, single submitter. Criteria: Ambry Variant Classification Scheme 2023. Collection method: clinical testing. Allele origin: germline.

Labcorp Genetics (formerly Invitae), Labcorp
Classification: Uncertain significance for Fanconi anemia. Last evaluated: 2021-08-31. Review status: criteria provided, single submitter. Criteria: Invitae Variant Classification Sherloc (09022015). Collection method: clinical testing. Allele origin: germline.
Comment: This sequence change replaces asparagine with tyrosine at codon 711 of the FANCI protein (p.Asn711Tyr). The asparagine residue is weakly conserved and there is a large physicochemical difference between asparagine and tyrosine. This variant is present in population databases (rs766073258, ExAC 0.003%). This variant has not been reported in the literature in individuals affected with FANCI-related conditions. Algorithms developed to predict the effect of missense changes on protein structure and function are either unavailable or do not agree on the potential impact of this missense change (SIFT: "Deleterious"; PolyPhen-2: "Benign"; Align-GVGD: "Class C0"). In summary, the available evidence is currently insufficient to determine the role of this variant in disease. Therefore, it has been classified as a Variant of Uncertain Significance.

Dr. Peter K. Rogan Lab, Western University
No classification provided (evidence only). Condition: Melanoma. Review status: no classification provided. Collection method: in vitro. Allele origin: not applicable. Functional consequence: retained intron. Not counted in ClinVar's aggregate classification.

NM_001113378.2(FANCI):c.2131A>T (p.Asn711Tyr)

Gene: FANCI (FA complementation group I; plus strand). Cytogenetic location: 15q26.1.
Variant type: single nucleotide variant.
Coding change: c.2131A>T on transcript NM_001113378.2 (MANE Select); coding-DNA position 2131, A replaced by T.
Protein change: p.Asn711Tyr; replaces asparagine 711 with tyrosine.
Molecular consequence: missense variant.
Genome position (GRCh38, 1-based): chr15:89,292,826, A>T. VCF-style: chr15-89292826-A-T. GRCh37 (hg19) VCF-style: chr15-89836057-A-T.
Other names: c.1852A>T, p.Asn618Tyr (NM_001376910.1); c.2131A>T, p.Asn711Tyr (NM_001376911.1, NM_018193.3); short protein forms N711Y, N618Y.
Identifiers: ClinVar variation 408240 (VCV000408240.8), dbSNP rs766073258, ClinGen allele CA7723283.
Genomic context (GRCh38, chr15:89,292,826, plus strand): 5'-GAAGAGGAGGAGGAAGAGGCATTCTACGAAGACCTAGATGATATATTGGAGTCCATTACT[A>T]ATAGAATGATTAAGAGTGAGCTGGAAGACTTTGAACTGGTAATTGCTAAGTCCTCAGCTG-3'
Protein context (NP_001106849.1, residues 701-721): DLDDILESIT[Asn711Tyr]RMIKSELEDF